The following is an entry in ClinVar:

ClinVar aggregate classification (germline): Uncertain significance. Review status: criteria provided, multiple submitters, no conflicts (2 of 4 stars). 2 submissions from 2 submitters: Uncertain significance (2). Last evaluated 2022-08-23.

Conditions:
Hereditary cancer-predisposing syndrome. Also called: Hereditary neoplastic syndrome; Neoplastic Syndromes, Hereditary; Hereditary Cancer Syndrome; Tumor predisposition. Identifiers: Orphanet 140162, MedGen C0027672, MeSH D009386, MONDO:0015356.
Gastrointestinal stromal tumor. Also called: Gastrointestinal stromal tumor, somatic; Gastrointestinal stroma tumor. Identifiers: Orphanet 44890, MedGen C0238198, MeSH D046152, MONDO:0011719, OMIM 606764, HP:0100723.

Submissions (2):

Ambry Genetics
Classification: Uncertain significance for Hereditary cancer-predisposing syndrome. Last evaluated: 2022-08-23. Review status: criteria provided, single submitter. Criteria: Ambry Variant Classification Scheme 2023. Collection method: clinical testing. Allele origin: germline.
Comment: The p.A700V variant (also known as c.2099C>T), located in coding exon 14 of the KIT gene, results from a C to T substitution at nucleotide position 2099. The alanine at codon 700 is replaced by valine, an amino acid with similar properties. This amino acid position is conserved. In addition, this alteration is predicted to be tolerated by in silico analysis. Since supporting evidence is limited at this time, the clinical significance of this alteration remains unclear.

Labcorp Genetics (formerly Invitae), Labcorp
Classification: Uncertain significance for Gastrointestinal stromal tumor. Last evaluated: 2019-09-25. Review status: criteria provided, single submitter. Criteria: Invitae Variant Classification Sherloc (09022015). Collection method: clinical testing. Allele origin: germline.
Comment: In summary, the available evidence is currently insufficient to determine the role of this variant in disease. Therefore, it has been classified as a Variant of Uncertain Significance. Algorithms developed to predict the effect of missense changes on protein structure and function output the following: SIFT: "Tolerated"; PolyPhen-2: "Benign"; Align-GVGD: "Class C0". The valine amino acid residue is found in multiple mammalian species, suggesting that this missense change does not adversely affect protein function. These predictions have not been confirmed by published functional studies and their clinical significance is uncertain. This variant has not been reported in the literature in individuals with KIT-related conditions. This variant is not present in population databases (ExAC no frequency). This sequence change replaces alanine with valine at codon 700 of the KIT protein (p.Ala700Val). The alanine residue is moderately conserved and there is a small physicochemical difference between alanine and valine.

NM_000222.3(KIT):c.2099C>T (p.Ala700Val)

Gene: KIT (KIT proto-oncogene, receptor tyrosine kinase; plus strand). Cytogenetic location: 4q12.
Variant type: single nucleotide variant.
Coding change: c.2099C>T on transcript NM_000222.3 (MANE Select); coding-DNA position 2099, C replaced by T.
Protein change: p.Ala700Val; replaces alanine 700 with valine.
Molecular consequence: missense variant.
Genome position (GRCh38, 1-based): chr4:54,729,443, C>T. VCF-style: chr4-54729443-C-T. GRCh37 (hg19) VCF-style: chr4-55595609-C-T.
Other names: c.2087C>T, p.Ala696Val (NM_001093772.2, NM_001385286.1); c.2102C>T, p.Ala701Val (NM_001385284.1, NM_001385290.1); c.2099C>T, p.Ala700Val (NM_001385285.1); c.2090C>T, p.Ala697Val (NM_001385288.1, NM_001385292.1); short protein forms A700V, A696V, A697V, A701V.
Identifiers: ClinVar variation 934688 (VCV000934688.12), dbSNP rs1722446325, ClinGen allele CA356909750.